The following is an entry in ClinVar:

ClinVar aggregate classification (germline): Uncertain significance. Review status: criteria provided, multiple submitters, no conflicts (2 of 4 stars). 2 submissions from 2 submitters: Uncertain significance (2). Last evaluated 2026-05-11.

Conditions:
Hereditary cancer-predisposing syndrome. Also called: Tumor predisposition; Hereditary Cancer Syndrome; Hereditary neoplastic syndrome; Neoplastic Syndromes, Hereditary. Identifiers: Orphanet 140162, MedGen C0027672, MeSH D009386, MONDO:0015356.
Multiple endocrine neoplasia type 4. Also called: MULTIPLE ENDOCRINE NEOPLASIA, TYPE IV. Identifiers: Orphanet 276152, MedGen C1970712, MONDO:0012552, OMIM 610755.

Submissions (2):

Ambry Genetics
Classification: Uncertain significance for Hereditary cancer-predisposing syndrome. Last evaluated: 2026-05-11. Review status: criteria provided, single submitter. Criteria: Ambry Variant Classification Scheme 2023. Collection method: clinical testing. Allele origin: germline.
Comment: The c.27_29delGAG variant (also known as p.S10del) is located in coding exon 1 of the CDKN1B gene. This variant results from an in-frame GAG deletion at nucleotide positions 27 to 29. This results in the in-frame deletion of a serine at codon 10. This amino acid position is highly conserved in available vertebrate species. In addition, the in silico prediction for this variant is inconclusive (Choi Y et al. PLoS ONE. 2012; 7(10):e46688). Based on the available evidence, the clinical significance of this variant remains unclear.

Labcorp Genetics (formerly Invitae), Labcorp
Classification: Uncertain significance for Multiple endocrine neoplasia type 4. Last evaluated: 2022-07-23. Review status: criteria provided, single submitter. Criteria: Invitae Variant Classification Sherloc (09022015). Collection method: clinical testing. Allele origin: germline.
Comment: In summary, the available evidence is currently insufficient to determine the role of this variant in disease. Therefore, it has been classified as a Variant of Uncertain Significance. Experimental studies and prediction algorithms are not available or were not evaluated, and the functional significance of this variant is currently unknown. This variant has not been reported in the literature in individuals affected with CDKN1B-related conditions. This variant is not present in population databases (gnomAD no frequency). This variant, c.27_29del, results in the deletion of 1 amino acid(s) of the CDKN1B protein (p.Ser10del), but otherwise preserves the integrity of the reading frame.

NM_004064.5(CDKN1B):c.27_29del (p.Ser10del)

Gene: CDKN1B (cyclin dependent kinase inhibitor 1B; plus strand). Cytogenetic location: 12p13.1.
Variant type: Deletion.
Coding change: c.27_29del on transcript NM_004064.5 (MANE Select); coding-DNA positions 27 to 29, 3 bases deleted (GAG; older notation c.27_29delGAG).
Protein change: p.Ser10del; deletes serine 10.
Molecular consequence: inframe deletion.
Genome position (GRCh38, 1-based): chr12:12,717,866-12,717,868, GAG deleted; deleting any 3 consecutive bases within chr12:12,717,865-12,717,868 gives the same sequence; the c. name uses the placement nearest the transcript's 3' end. VCF-style (leftmost placement, unchanged base first): chr12-12717864-GGGA-G. GRCh37 (hg19) VCF-style: chr12-12870798-GGGA-G.
Other names: c.27_29delGAG (NM_004064.3); short protein forms S10del.
Identifiers: ClinVar variation 2140529 (VCV002140529.5), dbSNP rs2497403677, ClinGen allele CA2580085163.